The following is an entry in ClinVar:

ClinVar aggregate classification (germline): Conflicting classifications of pathogenicity. Review status: criteria provided, conflicting classifications (1 of 4 stars). 12 submissions from 12 submitters: Uncertain significance (10); Likely benign (2). Last evaluated 2026-04-07.

Conditions:
Megacystis-microcolon-intestinal hypoperistalsis syndrome 1. Identifiers: MedGen C5542316, MONDO:0100354, OMIM 249210.
Aortic aneurysm, familial thoracic 7 (AAT7). Also called: AORTIC DISSECTION, FAMILIAL, WITH OR WITHOUT AORTIC ANEURYSM. Identifiers: MedGen C3151077, MONDO:0013418, OMIM 613780.
Familial thoracic aortic aneurysm and aortic dissection (TAAD). Also called: Thoracic aortic aneurysms and dissections. Identifiers: Orphanet 91387, MedGen C4707243, MONDO:0019625.

Allele frequency attached by ClinVar (database versions not stated): TOPMed 0.00011; gnomAD 0.00014 and 0.00015; gnomAD exomes 0.00014 and 0.00015; ExAC 0.00019; ESP Exome Variant Server 0.00023.
gnomAD v4.1: 235 of 1,603,954 alleles (0.015%); highest among the groups gnomAD compares: African/African-American, 0.02%; no homozygotes.

Submissions (12):

GeneDx
Classification: Uncertain significance. Last evaluated: 2026-04-07. Review status: criteria provided, single submitter. Criteria: GeneDx Variant Classification Process June 2021. Collection method: clinical testing. Allele origin: germline.
Comment: Reported in patients with a suspected heritable thoracic aortic disorder, multiple-aneurysms and/or pseudoaneurysm syndromes, and spontaneous coronary artery dissection (PMID: 29907982, 28139901, 33190788); In silico analysis supports that this missense variant has a deleterious effect on protein structure/function; This variant is associated with the following publications: (PMID: 28139901, 29907982, 33190788)

Labcorp Genetics (formerly Invitae), Labcorp
Classification: Uncertain significance for Aortic aneurysm, familial thoracic 7. Last evaluated: 2026-02-02. Review status: criteria provided, single submitter. Criteria: Invitae Variant Classification Sherloc (09022015). Collection method: clinical testing. Allele origin: germline.
Comment: This sequence change replaces arginine, which is basic and polar, with tryptophan, which is neutral and slightly polar, at codon 1204 of the MYLK protein (p.Arg1204Trp). This variant is present in population databases (rs151294221, gnomAD 0.02%). This missense change has been observed in individual(s) with MYLK-related conditions (PMID: 28139901, 29907982, 33190788, 38999368). This variant is also known as p.R1028W. ClinVar contains an entry for this variant (Variation ID: 342881). Invitae Evidence Modeling of protein sequence and biophysical properties (such as structural, functional, and spatial information, amino acid conservation, physicochemical variation, residue mobility, and thermodynamic stability) indicates that this missense variant is not expected to disrupt MYLK protein function with a negative predictive value of 80%. In summary, the available evidence is currently insufficient to determine the role of this variant in disease. Therefore, it has been classified as a Variant of Uncertain Significance.

Ambry Genetics
Classification: Uncertain significance for Familial thoracic aortic aneurysm and aortic dissection. Last evaluated: 2024-12-24. Review status: criteria provided, single submitter. Criteria: Ambry Variant Classification Scheme 2023. Collection method: clinical testing. Allele origin: germline.
Comment: The p.R1204W variant (also known as c.3610C>T), located in coding exon 17 of the MYLK gene, results from a C to T substitution at nucleotide position 3610. The arginine at codon 1204 is replaced by tryptophan, an amino acid with dissimilar properties. This alteration has been reported in a thoracic aortic aneurysm and dissection (TAAD) cohort (Overwater E et al. Hum Mutat, 2018 09;39:1173-1192). This amino acid position is highly conserved in available vertebrate species. In addition, the in silico prediction for this alteration is inconclusive. Based on the available evidence, the clinical significance of this variant remains unclear.

Blueprint Genetics
Classification: Likely benign. Last evaluated: 2024-10-02. Review status: criteria provided, single submitter. Criteria: ACMG Guidelines, 2015. Collection method: clinical testing. Allele origin: germline.

Centre of Medical Genetics, University of Antwerp
Classification: Uncertain significance for Familial thoracic aortic aneurysm and aortic dissection. Last evaluated: 2024-09-06. Review status: criteria provided, single submitter. Criteria: ACMG Guidelines, 2015. Collection method: clinical testing. Allele origin: germline. Affected: yes.

Mayo Clinic Laboratories, Mayo Clinic
Classification: Uncertain significance. Last evaluated: 2024-08-01. Review status: criteria provided, single submitter. Criteria: ACMG Guidelines, 2015. Collection method: clinical testing. Allele origin: germline. Observed: 1 variant allele.

Women's Health and Genetics/Laboratory Corporation of America, LabCorp
Classification: Uncertain significance. Last evaluated: 2023-11-20. Review status: criteria provided, single submitter. Criteria: LabCorp Variant Classification Summary - May 2015. Collection method: clinical testing. Allele origin: germline.
Comment: Variant summary: MYLK c.3610C>T (p.Arg1204Trp) results in a non-conservative amino acid change in the encoded protein sequence. Three of four in-silico tools predict a damaging effect of the variant on protein function. The variant allele was found at a frequency of 0.00014 in 233298 control chromosomes. The observed variant frequency is approximately 2.83 fold of the estimated maximal expected allele frequency for a pathogenic variant in MYLK causing Thoracic Aortic Aneurysms And Dissections phenotype (5e-05), strongly suggesting that the variant is benign. c.3610C>T has been reported in the literature in individuals affected with Thoracic Aortic Aneurysms And Dissections (D'Souza_2017, Overwater_2017), however these data do not allow any conclusion about variant significance. To our knowledge, no experimental evidence demonstrating an impact on protein function has been reported. Seven submitters have cited clinical-significance assessments for this variant to ClinVar after 2014: six submitters classified the variant as VUS whle one classified as likely benign. Based on the evidence outlined above, the variant was classified as VUS-possibly benign.

Human Genetics Bochum, Ruhr University Bochum
Classification: Uncertain significance for Aortic aneurysm, familial thoracic 7. Last evaluated: 2023-11-10. Review status: criteria provided, single submitter. Criteria: ACMG Guidelines, 2015. Collection method: clinical testing. Allele origin: germline. Affected: yes.
Comment: ACMG criteria used to clasify this variant: PP3SUP

CeGaT Center for Human Genetics Tuebingen
Classification: Likely benign. Last evaluated: 2023-06-01. Review status: criteria provided, single submitter. Criteria: CeGaT Center For Human Genetics Tuebingen Variant Classification Criteria Version 2. Collection method: clinical testing. Allele origin: germline. Affected: yes. Observed: 2 variant alleles.
Comment: MYLK: BS2

Fulgent Genetics
Classification: Uncertain significance for Megacystis-microcolon-intestinal hypoperistalsis syndrome 1; Aortic aneurysm, familial thoracic 7. Last evaluated: 2022-02-17. Review status: criteria provided, single submitter. Criteria: ACMG Guidelines, 2015. Collection method: clinical testing. Allele origin: unknown.

CHEO Genetics Diagnostic Laboratory, Children's Hospital of Eastern Ontario
Classification: Uncertain significance for Familial thoracic aortic aneurysm and aortic dissection. Last evaluated: 2020-06-09. Review status: criteria provided, single submitter. Criteria: ACMG Guidelines, 2015. Collection method: clinical testing. Allele origin: germline.

Illumina Laboratory Services, Illumina
Classification: Uncertain significance for Aortic aneurysm, familial thoracic 7. Last evaluated: 2018-01-13. Review status: criteria provided, single submitter. Criteria: ICSL Variant Classification Criteria 13 December 2019. Collection method: clinical testing. Allele origin: germline.

Literature cited by the submitters: PubMed 28139901 (cited by 5 submitters); PubMed 29907982 (cited by 5 submitters); PubMed 33190788 (cited by Labcorp Genetics (formerly Invitae), Labcorp); PubMed 38999368 (cited by Labcorp Genetics (formerly Invitae), Labcorp and Mayo Clinic Laboratories, Mayo Clinic).

NM_053025.4(MYLK):c.3610C>T (p.Arg1204Trp)

Gene: MYLK (myosin light chain kinase; minus strand). Cytogenetic location: 3q21.1.
Variant type: single nucleotide variant.
Coding change: c.3610C>T on transcript NM_053025.4 (MANE Select); coding-DNA position 3610, C replaced by T.
Protein change: p.Arg1204Trp; replaces arginine 1204 with tryptophan.
Molecular consequence: missense variant.
Genome position (GRCh38, 1-based): chr3:123,682,266, G>A on the plus strand (C>T on the coding strand, the complement: MYLK is on the minus strand). VCF-style: chr3-123682266-G-A. GRCh37 (hg19) VCF-style: chr3-123401113-G-A.
Other names: p.Arg1204Trp; c.3082C>T, p.Arg1028Trp (NM_001321309.2); c.3403C>T, p.Arg1135Trp (NM_053026.4, NM_053028.4); c.3610C>T, p.Arg1204Trp (NM_053027.4); short protein forms R1204W, R1028W, R1135W.
Identifiers: ClinVar variation 342881 (VCV000342881.65), dbSNP rs151294221, ClinGen allele CA069879.